The following is an entry in ClinVar:

NM_001292063.2(OTOG):c.8326C>T (p.Arg2776Cys)

Gene: OTOG (otogelin; plus strand). Cytogenetic location: 11p15.1.
Variant type: single nucleotide variant.
Coding change: c.8326C>T on transcript NM_001292063.2 (MANE Select); coding-DNA position 8326, C replaced by T.
Protein change: p.Arg2776Cys; replaces arginine 2776 with cysteine.
Molecular consequence: missense variant.
Genome position (GRCh38, 1-based): chr11:17,642,157, C>T. VCF-style: chr11-17642157-C-T. GRCh37 (hg19) VCF-style: chr11-17663704-C-T.
Other names: c.8362C>T, p.Arg2788Cys (NM_001277269.2); short protein forms R2776C, R2788C.
Identifiers: ClinVar variation 666898 (VCV000666898.5), dbSNP rs948010343, ClinGen allele CA218456831.
Genomic context (GRCh38, chr11:17,642,157, plus strand): 5'-GCTCCCATTACCTACTTCTGTGCCCTCCAGCCCGGGGCATCCTGGATCGCAGACTGCGCC[C>T]GCCACCACTGCAGCAGCACGCCCCTGGGTGCCGTGCTGGTCCGCTCTCCCATAAGCTGCC-3'
Protein context (NP_001278992.1, residues 2766-2786): PGASWIADCA[Arg2776Cys]HHCSSTPLGA

ClinVar aggregate classification (germline): Uncertain significance. Review status: criteria provided, multiple submitters, no conflicts (2 of 4 stars). 2 submissions from 2 submitters: Uncertain significance (2). Last evaluated 2025-04-30.

Allele frequency attached by ClinVar (database versions not stated): gnomAD 0.00001; TOPMed 0.00002; gnomAD exomes 0.00001.
gnomAD v4.1: 15 of 1,549,570 alleles (0.00097%); highest among the groups gnomAD compares: South Asian, 0.0024%; no homozygotes.

Submissions (2):

GeneDx
Classification: Uncertain significance. Last evaluated: 2025-04-30. Review status: criteria provided, single submitter. Criteria: GeneDx Variant Classification Process June 2021. Collection method: clinical testing. Allele origin: germline. Affected: yes.
Comment: Not observed at significant frequency in large population cohorts (gnomAD); In silico analysis supports that this missense variant has a deleterious effect on protein structure/function; Has not been previously published as pathogenic or benign to our knowledge

Laboratory for Molecular Medicine, Mass General Brigham Personalized Medicine
Classification: Uncertain significance. Last evaluated: 2018-05-21. Review status: criteria provided, single submitter. Criteria: LMM Criteria. Collection method: clinical testing. Allele origin: germline. Observed: 2 variant alleles.
Comment: The p.Arg2788Cys variant in OTOG has not been previously reported in individuals with hearing loss. This variant has been identified in 1/23796 of Latino chromo somes by the Genome Aggregation Database (gnomAD, rg; dbSNP rs948010343). Computational prediction tools and conservation analysis suggest that the p.Arg2788Cys variant may impact the protein, though this infor mation is not predictive enough to determine pathogenicity. In summary, the clin ical significance of the p.Arg2788Cys variant is uncertain. ACMG/AMP Criteria ap plied: PM2, PP3.